The following is an entry in ClinVar:

ClinVar aggregate classification (germline): Uncertain significance (1 of 4 stars; one submission).

Conditions:
Charcot-Marie-Tooth disease type 4. Also called: Charcot-Marie-Tooth disease, type IV; Charcot-Marie-Tooth, Type 4. Identifiers: Orphanet 64749, MedGen C4082197, MONDO:0018995.

Allele frequency attached by ClinVar (database versions not stated): gnomAD exomes below 0.00001.
gnomAD v4.1: 3 of 1,565,882 alleles (0.00019%); highest among the groups gnomAD compares: Non-Finnish European, 0.00026%; no homozygotes.

Submission:

Labcorp Genetics (formerly Invitae), Labcorp
Classification: Uncertain significance for Charcot-Marie-Tooth disease type 4. Last evaluated: 2021-12-22. Review status: criteria provided, single submitter. Criteria: Invitae Variant Classification Sherloc (09022015). Collection method: clinical testing. Allele origin: germline.
Comment: In summary, the available evidence is currently insufficient to determine the role of this variant in disease. Therefore, it has been classified as a Variant of Uncertain Significance. Variants that disrupt the consensus splice site are a relatively common cause of aberrant splicing (PMID: 17576681, 9536098). Algorithms developed to predict the effect of sequence changes on RNA splicing suggest that this variant may disrupt the consensus splice site. This variant has not been reported in the literature in individuals affected with SBF2-related conditions. This variant is not present in population databases (gnomAD no frequency). This sequence change falls in intron 6 of the SBF2 gene. It does not directly change the encoded amino acid sequence of the SBF2 protein. It affects a nucleotide within the consensus splice site.

Literature cited by the submitters: PubMed 17576681; PubMed 9536098.

NM_030962.4(SBF2):c.619+6T>A

Gene: SBF2 (SET binding factor 2; minus strand). Cytogenetic location: 11p15.4.
Variant type: single nucleotide variant.
Coding change: c.619+6T>A on transcript NM_030962.4 (MANE Select); 6 bases into the intron after coding-DNA position 619, T replaced by A.
Molecular consequence: intron variant.
Genome position (GRCh38, 1-based): chr11:10,028,446, A>T on the plus strand (T>A on the coding strand, the complement: SBF2 is on the minus strand). VCF-style: chr11-10028446-A-T. GRCh37 (hg19) VCF-style: chr11-10049993-A-T.
Other names: c.619+6T>A (NM_001386342.1, NM_001386339.1).
Identifiers: ClinVar variation 2141034 (VCV002141034.4), dbSNP rs2496366172, ClinGen allele CA2580082676.